The following is an entry in ClinVar:

ClinVar aggregate classification (germline): Uncertain significance (1 of 4 stars; one submission).

gnomAD v4.1: 1 of 1,612,104 alleles (0.000062%); highest among the groups gnomAD compares: East Asian, 0.0022%; no homozygotes.

Submission:

Labcorp Genetics (formerly Invitae), Labcorp
Classification: Uncertain significance. Last evaluated: 2024-10-24. Review status: criteria provided, single submitter. Criteria: Invitae Variant Classification Sherloc (09022015). Collection method: clinical testing. Allele origin: germline.
Comment: This sequence change falls in intron 12 of the MCPH1 gene. It does not directly change the encoded amino acid sequence of the MCPH1 protein. It affects a nucleotide within the consensus splice site. This variant is not present in population databases (gnomAD no frequency). This variant has not been reported in the literature in individuals affected with MCPH1-related conditions. ClinVar contains an entry for this variant (Variation ID: 1428133). Variants that disrupt the consensus splice site are a relatively common cause of aberrant splicing (PMID: 17576681, 9536098). Algorithms developed to predict the effect of sequence changes on RNA splicing suggest that this variant may disrupt the consensus splice site. In summary, the available evidence is currently insufficient to determine the role of this variant in disease. Therefore, it has been classified as a Variant of Uncertain Significance.

Literature cited by the submitters: PubMed 17576681; PubMed 9536098.

NM_024596.5(MCPH1):c.2214+5G>T

Genes: ANGPT2 (angiopoietin 2; minus strand), MCPH1 (microcephalin 1; plus strand). Cytogenetic location: 8p23.1.
Variant type: single nucleotide variant.
Coding change: c.2214+5G>T on transcript NM_024596.5 (MANE Select); 5 bases into the intron after coding-DNA position 2214, G replaced by T.
Molecular consequence: intron variant. On other transcripts: 3 prime UTR variant (6).
Genome position (GRCh38, 1-based): chr8:6,499,934, G>T. VCF-style: chr8-6499934-G-T. GRCh37 (hg19) VCF-style: chr8-6357455-G-T.
Other names: c.*3167C>A (NM_001118887.2, NM_001118888.2, NM_001147.3 and 1 more transcripts); c.*3315C>A (NM_001386336.1, NM_001386337.1); c.2214+5G>T (NM_001322042.2, NM_001363979.1, NM_001410917.1 and 1 more transcripts); c.1935+44682G>T (NM_001363980.2).
Identifiers: ClinVar variation 1428133 (VCV001428133.6), dbSNP rs1436462623, ClinGen allele CA2573143089.
Genomic context (GRCh38, chr8:6,499,934, plus strand): 5'-GTCACTGGATTTCTGAGGAGCCGTTCGAACTGTCTCACCACTTCCCTGCAGCTCCCGTAA[G>T]TCAGATGTTGTTTTACGATGGTAAATGCAGTTTGCTGTTCTCAAGAAATTATTATAAACA-3'